The following is an entry in ClinVar:

ClinVar aggregate classification (germline): Likely benign (0 of 4 stars; one submission).

Conditions:
NPHP4-related disorder. Also called: NPHP4-related condition; NPHP4-related disorders. Identifiers: MedGen CN239384.

Allele frequency attached by ClinVar (database versions not stated): ExAC 0.00002.
gnomAD v4.1: 4 of 1,613,190 alleles (0.00025%); highest among the groups gnomAD compares: South Asian, 0.0044%; no homozygotes.

Submission:

PreventionGenetics, part of Exact Sciences
Classification: Likely benign for NPHP4-related condition. Last evaluated: 2021-07-12. Review status: no assertion criteria provided. Collection method: clinical testing. Allele origin: germline.
Comment: This variant is classified as likely benign based on ACMG/AMP sequence variant interpretation guidelines (Richards et al. 2015 PMID: 25741868, with internal and published modifications).

NM_015102.5(NPHP4):c.3747C>A (p.Ser1249=)

Gene: NPHP4 (nephrocystin 4; minus strand). Cytogenetic location: 1p36.31.
Variant type: single nucleotide variant.
Coding change: c.3747C>A on transcript NM_015102.5 (MANE Select); coding-DNA position 3747, C replaced by A.
Protein change: p.Ser1249=; no amino-acid change (serine 1249 retained).
Molecular consequence: synonymous variant. On other transcripts: non-coding transcript variant (1).
Genome position (GRCh38, 1-based): chr1:5,865,171, G>T on the plus strand (C>A on the coding strand, the complement: NPHP4 is on the minus strand). VCF-style: chr1-5865171-G-T. GRCh37 (hg19) VCF-style: chr1-5925231-G-T.
Other names: c.2208C>A, p.Ser736= (NM_001291593.2); c.2211C>A, p.Ser737= (NM_001291594.2).
Identifiers: ClinVar variation 3029114 (VCV003029114.2), dbSNP rs750778789, ClinGen allele CA553482.